The following is an entry in ClinVar:

ClinVar aggregate classification (germline): Uncertain significance. Review status: criteria provided, multiple submitters, no conflicts (2 of 4 stars). 4 submissions from 4 submitters: Uncertain significance (3). 1 of the submissions does not count toward it. Last evaluated 2022-12-15.

Conditions:
Nemaline myopathy 2 (NEM2). Also called: Nemaline myopathy 2, autosomal recessive. Identifiers: MedGen C1850569, MONDO:0009725, OMIM 256030.
Inborn genetic diseases. Identifiers: MedGen C0950123, MeSH D030342.
Arthrogryposis multiplex congenita 6. Identifiers: MedGen C5543431, MONDO:0030281, OMIM 619334.

Allele frequency attached by ClinVar (database versions not stated): gnomAD exomes below 0.00001 and 0.00001; gnomAD 0.00001; TOPMed 0.00001.
gnomAD v4.1: 14 of 1,613,844 alleles (0.00087%); highest among the groups gnomAD compares: Admixed American, 0.0017%; no homozygotes.

Submissions (4):

Ambry Genetics
Classification: Uncertain significance for Inborn genetic diseases. Last evaluated: 2022-12-15. Review status: criteria provided, single submitter. Criteria: Ambry Variant Classification Scheme 2023. Collection method: clinical testing. Allele origin: germline.

Fulgent Genetics
Classification: Uncertain significance for Nemaline myopathy 2; Arthrogryposis multiplex congenita 6. Last evaluated: 2022-03-28. Review status: criteria provided, single submitter. Criteria: ACMG Guidelines, 2015. Collection method: clinical testing. Allele origin: unknown.

Labcorp Genetics (formerly Invitae), Labcorp
Classification: Uncertain significance for Nemaline myopathy 2. Last evaluated: 2021-12-30. Review status: criteria provided, single submitter. Criteria: Invitae Variant Classification Sherloc (09022015). Collection method: clinical testing. Allele origin: germline.
Comment: This sequence change replaces histidine, which is basic and polar, with arginine, which is basic and polar, at codon 538 of the NEB protein (p.His538Arg). This variant is present in population databases (no rsID available, gnomAD 0.003%). This variant has not been reported in the literature in individuals affected with NEB-related conditions. ClinVar contains an entry for this variant (Variation ID: 990579). Algorithms developed to predict the effect of missense changes on protein structure and function are either unavailable or do not agree on the potential impact of this missense change (SIFT: "Deleterious"; PolyPhen-2: "Not Available"; Align-GVGD: "Class C0"). In summary, the available evidence is currently insufficient to determine the role of this variant in disease. Therefore, it has been classified as a Variant of Uncertain Significance.

Natera, Inc.
Classification: Uncertain significance for Nemaline myopathy type 2. Last evaluated: 2020-08-14. Review status: no assertion criteria provided. Collection method: clinical testing. Allele origin: germline. Not counted in ClinVar's aggregate classification.

NM_001164508.2(NEB):c.1613A>G (p.His538Arg)

Gene: NEB (nebulin; minus strand). Cytogenetic location: 2q23.3.
Variant type: single nucleotide variant.
Coding change: c.1613A>G on transcript NM_001164508.2 (MANE Select); coding-DNA position 1613, A replaced by G.
Protein change: p.His538Arg; replaces histidine 538 with arginine.
Molecular consequence: missense variant.
Genome position (GRCh38, 1-based): chr2:151,695,639, T>C on the plus strand (A>G on the coding strand, the complement: NEB is on the minus strand). VCF-style: chr2-151695639-T-C. GRCh37 (hg19) VCF-style: chr2-152552153-T-C.
Other names: c.1613A>G, p.His538Arg (NM_001271208.2, NM_001164507.2, NM_004543.5); c.1613A>G (NM_004543.4); short protein forms H538R.
Identifiers: ClinVar variation 990579 (VCV000990579.4), dbSNP rs925195870, ClinGen allele CA57675794.